The following is an entry in ClinVar:

NM_183075.3(CYP2U1):c.1174C>A (p.Pro392Thr)

Gene: CYP2U1 (cytochrome P450 family 2 subfamily U member 1; plus strand). Cytogenetic location: 4q25.
Variant type: single nucleotide variant.
Coding change: c.1174C>A on transcript NM_183075.3 (MANE Select); coding-DNA position 1174, C replaced by A.
Protein change: p.Pro392Thr; replaces proline 392 with threonine.
Molecular consequence: missense variant.
Genome position (GRCh38, 1-based): chr4:107,947,423, C>A. VCF-style: chr4-107947423-C-A. GRCh37 (hg19) VCF-style: chr4-108868579-C-A.
Other names: short protein forms P392T.
Identifiers: ClinVar variation 1954124 (VCV001954124.5), dbSNP rs762403327, ClinGen allele CA3037146.

ClinVar aggregate classification (germline): Uncertain significance (1 of 4 stars; one submission).

Conditions:
Spastic paraplegia. Identifiers: MedGen C0037772, HP:0001258.

Allele frequency attached by ClinVar (database versions not stated): TOPMed below 0.00001; ExAC 0.00001; gnomAD 0.00001; gnomAD exomes 0.00001.
gnomAD v4.1: 16 of 1,614,046 alleles (0.00099%); highest among the groups gnomAD compares: Non-Finnish European, 0.0014%; no homozygotes.

Submission:

Labcorp Genetics (formerly Invitae), Labcorp
Classification: Uncertain significance for Spastic paraplegia. Last evaluated: 2022-04-01. Review status: criteria provided, single submitter. Criteria: Invitae Variant Classification Sherloc (09022015). Collection method: clinical testing. Allele origin: germline.
Comment: In summary, the available evidence is currently insufficient to determine the role of this variant in disease. Therefore, it has been classified as a Variant of Uncertain Significance. Algorithms developed to predict the effect of missense changes on protein structure and function (SIFT, PolyPhen-2, Align-GVGD) all suggest that this variant is likely to be disruptive. This variant has not been reported in the literature in individuals affected with CYP2U1-related conditions. This variant is present in population databases (rs762403327, gnomAD 0.0009%). This sequence change replaces proline, which is neutral and non-polar, with threonine, which is neutral and polar, at codon 392 of the CYP2U1 protein (p.Pro392Thr).